The following is an entry in ClinVar:

ClinVar aggregate classification (germline): Benign (1 of 4 stars; one submission).

Allele frequency attached by ClinVar (database versions not stated): gnomAD exomes 0.00023; 1000 Genomes Project 0.00100; 1000 Genomes Project 30x 0.00109; TOPMed 0.00159; gnomAD 0.00160.
gnomAD v4.1: 300 of 398,710 alleles (0.075%); highest among the groups gnomAD compares: African/African-American, 0.53%; no homozygotes.

Submission:

CeGaT Center for Human Genetics Tuebingen
Classification: Benign. Last evaluated: 2026-08-01. Review status: criteria provided, single submitter. Criteria: CeGaT Center For Human Genetics Tuebingen Variant Classification Criteria Version 2. Collection method: clinical testing. Allele origin: germline. Affected: yes. Observed: 2 variant alleles.
Comment: KCNQ1OT1: BS1, BS2

NM_000218.3(KCNQ1):c.1514+2476G>A

Genes: KCNQ1 (potassium voltage-gated channel subfamily Q member 1; plus strand), KCNQ1OT1 (KCNQ1 opposite strand/antisense transcript 1; minus strand). Cytogenetic location: 11p15.5.
Variant type: single nucleotide variant.
Coding change: c.1514+2476G>A on transcript NM_000218.3 (MANE Select); 2476 bases into the intron after coding-DNA position 1514, G replaced by A.
Molecular consequence: intron variant. On other transcripts: non-coding transcript variant (1).
Genome position (GRCh38, 1-based): chr11:2,664,557, G>A. VCF-style: chr11-2664557-G-A. GRCh37 (hg19) VCF-style: chr11-2685787-G-A.
Other names: c.1244+2476G>A (NM_001406837.1); c.1418+2476G>A (NM_001406836.1); c.974+2476G>A (NM_001406838.1); c.1133+2476G>A (NM_181798.2).
Identifiers: ClinVar variation 3250906 (VCV003250906.18), dbSNP rs146464643.